The following is an entry in ClinVar:

NM_014797.3(ZBTB24):c.367A>G (p.Lys123Glu)

Gene: ZBTB24 (zinc finger and BTB domain containing 24; minus strand). Cytogenetic location: 6q21.
Variant type: single nucleotide variant.
Coding change: c.367A>G on transcript NM_014797.3 (MANE Select); coding-DNA position 367, A replaced by G.
Protein change: p.Lys123Glu; replaces lysine 123 with glutamic acid.
Molecular consequence: missense variant.
Genome position (GRCh38, 1-based): chr6:109,481,660, T>C on the plus strand (A>G on the coding strand, the complement: ZBTB24 is on the minus strand). VCF-style: chr6-109481660-T-C. GRCh37 (hg19) VCF-style: chr6-109802863-T-C.
Other names: c.367A>G, p.Lys123Glu (NM_001164313.2); short protein forms K123E.
Identifiers: ClinVar variation 2136451 (VCV002136451.2), dbSNP rs771782075, ClinGen allele CA3954356.
Genomic context (GRCh38, chr6:109,481,660, plus strand): 5'-CAGTGTTCAAAGTTGTTGGCTTTGGGGAGCTATGATTATTTTGGAAGTCTGTGTAAGCCT[T>C]TACCAGGTCATAGACTTTTAAGAACTGAGCAGTAGCCAGGATTTGTTCTGTACTTTTCTC-3'
Protein context (NP_055612.2, residues 113-133): AQFLKVYDLV[Lys123Glu]AYTDFQNNHS

ClinVar aggregate classification (germline): Uncertain significance (1 of 4 stars; one submission).

Conditions:
Immunodeficiency-centromeric instability-facial anomalies syndrome 2 (ICF2). Identifiers: Orphanet 2268, MedGen C3279748, MONDO:0013553, OMIM 614069.

Allele frequency attached by ClinVar (database versions not stated): gnomAD exomes below 0.00001; ExAC 0.00001; gnomAD 0.00001; TOPMed 0.00001.

Submission:

Labcorp Genetics (formerly Invitae), Labcorp
Classification: Uncertain significance for Immunodeficiency-centromeric instability-facial anomalies syndrome 2. Last evaluated: 2024-10-24. Review status: criteria provided, single submitter. Criteria: Invitae Variant Classification Sherloc (09022015). Collection method: clinical testing. Allele origin: germline.
Comment: This sequence change replaces lysine, which is basic and polar, with glutamic acid, which is acidic and polar, at codon 123 of the ZBTB24 protein (p.Lys123Glu). This variant is present in population databases (rs771782075, gnomAD 0.003%). This variant has not been reported in the literature in individuals affected with ZBTB24-related conditions. ClinVar contains an entry for this variant (Variation ID: 2136451). An algorithm developed to predict the effect of missense changes on protein structure and function (PolyPhen-2) suggests that this variant¬†is likely to be tolerated. In summary, the available evidence is currently insufficient to determine the role of this variant in disease. Therefore, it has been classified as a Variant of Uncertain Significance.